The following is an entry in ClinVar:

NM_153332.4(ERI1):c.362A>G (p.Asn121Ser)

Gene: ERI1 (exoribonuclease 1). Cytogenetic location: 8p23.1.
Variant type: single nucleotide variant.
Coding change: c.362A>G on transcript NM_153332.4 (MANE Select); coding-DNA position 362, A replaced by G.
Protein change: p.Asn121Ser; replaces asparagine 121 with serine.
Molecular consequence: missense variant.
Genome position (GRCh38, 1-based): chr8:9,011,616, A>G. VCF-style: chr8-9011616-A-G. GRCh37 (hg19) VCF-style: chr8-8869126-A-G.
Other names: c.128A>G, p.Asn43Ser (NM_001354635.2); c.17A>G, p.Asn6Ser (NM_001354636.2); c.362A>G, p.Asn121Ser (NM_001354638.2); short protein forms N121S, N43S, N6S.
Identifiers: ClinVar variation 3388034 (VCV003388034.14).

ClinVar aggregate classification (germline): Likely benign (1 of 4 stars; one submission).

gnomAD v4.1: 8,478 of 1,613,538 alleles (0.53%); highest among the groups gnomAD compares: Non-Finnish European, 0.66%; 32 homozygotes.

Submission:

CeGaT Center for Human Genetics Tuebingen
Classification: Likely benign. Last evaluated: 2026-09-01. Review status: criteria provided, single submitter. Criteria: CeGaT Center For Human Genetics Tuebingen Variant Classification Criteria Version 2. Collection method: clinical testing. Allele origin: germline. Affected: yes. Observed: 11 variant alleles.
Comment: ERI1: BP4, BS2